The following is an entry in ClinVar:

ClinVar aggregate classification (germline): Uncertain significance (1 of 4 stars; one submission).

Submission:

Labcorp Genetics (formerly Invitae), Labcorp
Classification: Uncertain significance. Last evaluated: 2022-07-12. Review status: criteria provided, single submitter. Criteria: Invitae Variant Classification Sherloc (09022015). Collection method: clinical testing. Allele origin: germline.
Comment: In summary, the available evidence is currently insufficient to determine the role of this variant in disease. Therefore, it has been classified as a Variant of Uncertain Significance. Experimental studies and prediction algorithms are not available or were not evaluated, and the functional significance of this variant is currently unknown. This variant has not been reported in the literature in individuals affected with SC5D-related conditions. This variant is present in population databases (rs762375370, gnomAD 0.0009%). This sequence change creates a premature translational stop signal (p.Glu274Glyfs*12) in the SC5D gene. While this is not anticipated to result in nonsense mediated decay, it is expected to disrupt the last 26 amino acid(s) of the SC5D protein.

NM_006918.5(SC5D):c.821_822del (p.Glu274fs)

Gene: SC5D (sterol-C5-desaturase; plus strand). Cytogenetic location: 11q24.1.
Variant type: Microsatellite.
Coding change: c.821_822del on transcript NM_006918.5 (MANE Select); coding-DNA positions 821 to 822, 2 bases deleted (AG; older notation c.821_822delAG).
Protein change: p.Glu274fs; shifts the reading frame from glutamic acid 274.
Molecular consequence: frameshift variant.
Genome position (GRCh38, 1-based): chr11:121,307,433-121,307,434, AG deleted; deleting any 2 consecutive bases within chr11:121,307,431-121,307,434 gives the same sequence; the c. name uses the placement nearest the transcript's 3' end. VCF-style (leftmost placement, unchanged base first): chr11-121307430-CAG-C. GRCh37 (hg19) VCF-style: chr11-121178139-CAG-C.
Other names: c.821_822del, p.Glu274fs (NM_001024956.3); short protein forms E274fs.
Identifiers: ClinVar variation 1357016 (VCV001357016.8), dbSNP rs762375370, ClinGen allele CA6328231.